The following is an entry in ClinVar:

ClinVar aggregate classification (germline): Uncertain significance (1 of 4 stars; one submission).

Conditions:
Autosomal recessive limb-girdle muscular dystrophy type 2E (LGMDR4). Also called: MUSCULAR DYSTROPHY, LIMB-GIRDLE, AUTOSOMAL RECESSIVE 4. Identifiers: Orphanet 119, MedGen C1858593, MONDO:0011423, OMIM 604286. Disease mechanism: Affects gamma-sarcoglycan and also disrupts the integrity of the entire sarcoglycan complex..

Allele frequency attached by ClinVar (database versions not stated): gnomAD exomes below 0.00001 and 0.00001; TOPMed below 0.00001; gnomAD 0.00001.

Submission:

Labcorp Genetics (formerly Invitae), Labcorp
Classification: Uncertain significance for Autosomal recessive limb-girdle muscular dystrophy type 2E. Last evaluated: 2021-08-28. Review status: criteria provided, single submitter. Criteria: Invitae Variant Classification Sherloc (09022015). Collection method: clinical testing. Allele origin: germline.
Comment: This sequence change replaces methionine with isoleucine at codon 168 of the SGCB protein (p.Met168Ile). The methionine residue is moderately conserved and there is a small physicochemical difference between methionine and isoleucine. This variant is not present in population databases (ExAC no frequency). This variant has not been reported in the literature in individuals affected with SGCB-related conditions. Algorithms developed to predict the effect of missense changes on protein structure and function (SIFT, PolyPhen-2, Align-GVGD) all suggest that this variant is likely to be tolerated. In summary, the available evidence is currently insufficient to determine the role of this variant in disease. Therefore, it has been classified as a Variant of Uncertain Significance.

NM_000232.5(SGCB):c.504G>A (p.Met168Ile)

Gene: SGCB (sarcoglycan beta; minus strand). Cytogenetic location: 4q12.
Variant type: single nucleotide variant.
Coding change: c.504G>A on transcript NM_000232.5 (MANE Select); coding-DNA position 504, G replaced by A.
Protein change: p.Met168Ile; replaces methionine 168 with isoleucine.
Molecular consequence: missense variant.
Genome position (GRCh38, 1-based): chr4:52,028,847, C>T on the plus strand (G>A on the coding strand, the complement: SGCB is on the minus strand). VCF-style: chr4-52028847-C-T. GRCh37 (hg19) VCF-style: chr4-52895013-C-T.
Other names: short protein forms M168I.
Identifiers: ClinVar variation 844987 (VCV000844987.7), dbSNP rs768628837, ClinGen allele CA96782093.
Genomic context (GRCh38, chr4:52,028,847, plus strand): 5'-CTCATGAGTTTCATAGTCTGTGCTGAATAAGATATTTTGAGTCCTCGGGTCAAAAAACTG[C>T]ATGCCGATGTCACTTGTAATAGAAGTTTTGTTGTTTTCTACACTGAGCTTTGTTGTCCCT-3'
Protein context (NP_000223.1, residues 158-178): NKTSITSDIG[Met168Ile]QFFDPRTQNI